The following is an entry in ClinVar:

ClinVar aggregate classification (germline): Uncertain significance. Review status: criteria provided, multiple submitters, no conflicts (2 of 4 stars). 3 submissions from 3 submitters: Uncertain significance (3). Last evaluated 2025-04-24.

Conditions:
Inborn genetic diseases. Identifiers: MedGen C0950123, MeSH D030342.
ALG8 congenital disorder of glycosylation. Also called: ALG8-CDG; CONGENITAL DISORDER OF GLYCOSYLATION, TYPE Ih; CDG Ih. Identifiers: Orphanet 79325, MedGen C2931002, MONDO:0011969, OMIM 608104.
Polycystic liver disease 3 with or without kidney cysts. Identifiers: MedGen C4693472, MONDO:0054743, OMIM 617874.

Allele frequency attached by ClinVar (database versions not stated): gnomAD exomes below 0.00001; gnomAD 0.00001; TOPMed 0.00003; ESP Exome Variant Server 0.00008.
gnomAD v4.1: 6 of 1,613,864 alleles (0.00037%); highest among the groups gnomAD compares: African/African-American, 0.0067%; no homozygotes.

Submissions (3):

GeneDx
Classification: Uncertain significance. Last evaluated: 2025-04-24. Review status: criteria provided, single submitter. Criteria: GeneDx Variant Classification Process June 2021. Collection method: clinical testing. Allele origin: germline. Affected: yes.
Comment: Not observed at significant frequency in large population cohorts (gnomAD); In silico analysis supports that this missense variant has a deleterious effect on protein structure/function; Has not been previously published as pathogenic or benign to our knowledge

Ambry Genetics
Classification: Uncertain significance for Inborn genetic diseases. Last evaluated: 2025-04-13. Review status: criteria provided, single submitter. Criteria: Ambry Variant Classification Scheme 2023. Collection method: clinical testing. Allele origin: germline.

Fulgent Genetics
Classification: Uncertain significance for ALG8 congenital disorder of glycosylation; Polycystic liver disease 3 with or without kidney cysts. Last evaluated: 2024-04-03. Review status: criteria provided, single submitter. Criteria: ACMG Guidelines, 2015. Collection method: clinical testing. Allele origin: germline.

NM_024079.5(ALG8):c.430A>T (p.Ile144Phe)

Gene: ALG8 (ALG8 alpha-1,3-glucosyltransferase; minus strand). Cytogenetic location: 11q14.1.
Variant type: single nucleotide variant.
Coding change: c.430A>T on transcript NM_024079.5 (MANE Select); coding-DNA position 430, A replaced by T.
Protein change: p.Ile144Phe; replaces isoleucine 144 with phenylalanine.
Molecular consequence: missense variant.
Genome position (GRCh38, 1-based): chr11:78,121,113, T>A on the plus strand (A>T on the coding strand, the complement: ALG8 is on the minus strand). VCF-style: chr11-78121113-T-A. GRCh37 (hg19) VCF-style: chr11-77832159-T-A.
Other names: c.430A>T, p.Ile144Phe (NM_001007027.3); short protein forms I144F.
Identifiers: ClinVar variation 2506847 (VCV002506847.4), dbSNP rs143349528, ClinGen allele CA224913456.